The following is an entry in ClinVar:

ClinVar aggregate classification (germline): Pathogenic/Likely pathogenic. Review status: criteria provided, multiple submitters, no conflicts (2 of 4 stars). 4 submissions from 4 submitters: Pathogenic (2); Likely pathogenic (1). 1 of the submissions does not count toward it. Last evaluated 2025-10-10.

Conditions:
Carnitine deficiency. Identifiers: MedGen C1142132.
Renal carnitine transport defect (CDSP). Also called: Systemic primary carnitine deficiency disease; CARNITINE DEFICIENCY, SYSTEMIC, DUE TO DEFECT IN RENAL REABSORPTION OF CARNITINE; CARNITINE TRANSPORTER, PLASMA-MEMBRANE, DEFICIENCY OF; CARNITINE UPTAKE DEFECT; Primary carnitine deficiency; Systemic primary carnitine deficiency. Identifiers: Orphanet 158, MedGen C0342788, MONDO:0008919, OMIM 212140.

Allele frequency attached by ClinVar (database versions not stated): gnomAD exomes below 0.00001.

Submissions (4):

Natera, Inc.
Classification: Likely pathogenic for Carnitine deficiency. Last evaluated: 2025-10-10. Review status: criteria provided, single submitter. Criteria: Natera Variant Classification Schema (03/2026). Collection method: clinical testing. Allele origin: germline.
Comment: The c.1554del variant in SLC22A5 is a frameshift variant predicted to shift the reading frame beginning at codon 519 and leads to a stop codon 7 codons downstream. This variant is expected to result in nonsense mediated decay, truncation, or a dysfunctional protein product. This variant is rare in the general population with a frequency below the threshold expected for the associated phenotype(s). Given the available evidence, this variant is classified as Likely Pathogenic.

Labcorp Genetics (formerly Invitae), Labcorp
Classification: Pathogenic for Renal carnitine transport defect. Last evaluated: 2024-05-14. Review status: criteria provided, single submitter. Criteria: Invitae Variant Classification Sherloc (09022015). Collection method: clinical testing. Allele origin: germline.
Comment: This sequence change creates a premature translational stop signal (p.Asp519Thrfs*7) in the SLC22A5 gene. While this is not anticipated to result in nonsense mediated decay, it is expected to disrupt the last 39 amino acid(s) of the SLC22A5 protein. This variant is not present in population databases (gnomAD no frequency). This variant has not been reported in the literature in individuals affected with SLC22A5-related conditions. ClinVar contains an entry for this variant (Variation ID: 551727). This variant disrupts a region of the SLC22A5 protein in which other variant(s) (p.Ile521Hisfs*3) have been determined to be pathogenic (PMID: 17126586). This suggests that this is a clinically significant region of the protein, and that variants that disrupt it are likely to be disease-causing. For these reasons, this variant has been classified as Pathogenic.

Genome-Nilou Lab
Classification: Pathogenic for Renal carnitine transport defect. Last evaluated: 2021-07-15. Review status: criteria provided, single submitter. Criteria: ACMG Guidelines, 2015. Collection method: clinical testing. Allele origin: germline. Affected: no.

Counsyl
Classification: Likely pathogenic for Renal carnitine transport defect. Last evaluated: 2017-05-04. Review status: no assertion criteria provided. Collection method: clinical testing. Allele origin: unknown. Not counted in ClinVar's aggregate classification.

Literature cited by the submitters: PubMed 17126586 (cited by Labcorp Genetics (formerly Invitae), Labcorp); PubMed 15523054 (cited by Counsyl).

NM_003060.4(SLC22A5):c.1554del (p.Asp519fs)

Gene: SLC22A5 (solute carrier family 22 member 5; plus strand). Cytogenetic location: 5q31.1.
Variant type: Deletion.
Coding change: c.1554del on transcript NM_003060.4 (MANE Select); coding-DNA position 1554, one base deleted (A; older notation c.1554delA).
Protein change: p.Asp519fs; shifts the reading frame from aspartic acid 519.
Molecular consequence: frameshift variant.
Genome position (GRCh38, 1-based): chr5:132,393,779, A deleted. VCF-style (leftmost placement, unchanged base first): chr5-132393778-CA-C. GRCh37 (hg19) VCF-style: chr5-131729470-CA-C.
Other names: c.1554del (NM_003060.3); c.1626del, p.Asp543fs (NM_001308122.2); short protein forms D519fs, D543fs.
Identifiers: ClinVar variation 551727 (VCV000551727.13), dbSNP rs1554088578, ClinGen allele CA658821387.